The following is an entry in ClinVar:

ClinVar aggregate classification (germline): Uncertain significance (1 of 4 stars; one submission).

Conditions:
Inborn genetic diseases. Identifiers: MedGen C0950123, MeSH D030342.

Submission:

Ambry Genetics
Classification: Uncertain significance for Inborn genetic diseases. Last evaluated: 2025-11-19. Review status: criteria provided, single submitter. Criteria: Ambry Variant Classification Scheme 2023. Collection method: clinical testing. Allele origin: germline.
Comment: The p.D251H variant (also known as c.751G>C), located in coding exon 5 of the ELANE gene, results from a G to C substitution at nucleotide position 751. The aspartic acid at codon 251 is replaced by histidine, an amino acid with similar properties. This amino acid position is conserved. In addition, this alteration is predicted to be tolerated by in silico analysis. Based on the available evidence, the clinical significance of this variant remains unclear.

NM_001972.4(ELANE):c.751G>C (p.Asp251His)

Gene: ELANE (elastase, neutrophil expressed; plus strand). Cytogenetic location: 19p13.3.
Variant type: single nucleotide variant.
Coding change: c.751G>C on transcript NM_001972.4 (MANE Select); coding-DNA position 751, G replaced by C.
Protein change: p.Asp251His; replaces aspartic acid 251 with histidine.
Molecular consequence: missense variant.
Genome position (GRCh38, 1-based): chr19:856,111, G>C. VCF-style: chr19-856111-G-C. GRCh37 (hg19) VCF-style: chr19-856111-G-C.
Other names: short protein forms D251H.
Identifiers: ClinVar variation 4618422 (VCV004618422.1).